The following is an entry in ClinVar:

NM_000016.6(ACADM):c.71A>G (p.His24Arg)

Gene: ACADM (acyl-CoA dehydrogenase medium chain; plus strand). Cytogenetic location: 1p31.1.
Variant type: single nucleotide variant.
Coding change: c.71A>G on transcript NM_000016.6 (MANE Select); coding-DNA position 71, A replaced by G.
Protein change: p.His24Arg; replaces histidine 24 with arginine.
Molecular consequence: missense variant. On other transcripts: intron variant (2).
Genome position (GRCh38, 1-based): chr1:75,728,441, A>G. VCF-style: chr1-75728441-A-G. GRCh37 (hg19) VCF-style: chr1-76194126-A-G.
Other names: c.83A>G, p.His28Arg (NM_001127328.3); c.71A>G, p.His24Arg (NM_001286043.2); c.10+3624A>G (NM_001286042.2); c.-268+3624A>G (NM_001286044.2); short protein forms H24R, H28R.
Identifiers: ClinVar variation 1805139 (VCV001805139.1), dbSNP rs141772163, ClinGen allele CA912935.

ClinVar aggregate classification (germline): Uncertain significance (1 of 4 stars; one submission).

Conditions:
Medium-chain acyl-coenzyme A dehydrogenase deficiency (ACADMD). Also called: CARNITINE DEFICIENCY SECONDARY TO MEDIUM-CHAIN ACYL-CoA DEHYDROGENASE DEFICIENCY; MCADD; MCADH DEFICIENCY; Medium chain acyl-CoA dehydrogenase deficiency; ACADM DEFICIENCY; MCAD Deficiency. Identifiers: Orphanet 42, MedGen C0220710, MONDO:0008721, OMIM 201450.

Allele frequency attached by ClinVar (database versions not stated): gnomAD exomes below 0.00001; ExAC 0.00001; gnomAD 0.00002; TOPMed 0.00003; ESP Exome Variant Server 0.00008.

Submission:

Victorian Clinical Genetics Services, Murdoch Childrens Research Institute
Classification: Uncertain significance for Medium-chain acyl-coenzyme A dehydrogenase deficiency. Last evaluated: 2019-08-28. Review status: criteria provided, single submitter. Criteria: ACMG Guidelines, 2015. Collection method: clinical testing. Allele origin: germline. Inheritance: Autosomal recessive inheritance.
Comment: A heterozygous missense variant, NM_000016.5(ACADM):c.71A>G, has been identified in exon 2 of 12 of the ACADM gene. The variant is predicted to result in a minor amino acid change from histidine to arginine at position 24 of the protein (NP_000007.1 (ACADM):p.(His24Arg)). The histidine at this position has low conservation (100 vertebrates, UCSC), but is not located within a well established functional domain. In silico predictions of pathogenicity for this variant are conflicting (Polyphen, SIFT, CADD, Mutation Taster). The variant is present in the gnomAD database at a frequency of 0.001% (3 heterozygotes, 0 homozygotes). The variant has been previously reported with unknown effect and was not classified (LOVD Whole genome datasets). Based on the information available at the time of curation, this variant has been classified as VARIANT of UNCERTAIN SIGNIFICANCE (VUS) with LOW CLINICAL RELEVANCE.